The following is an entry in ClinVar:

ClinVar aggregate classification (germline): Uncertain significance (1 of 4 stars; one submission).

Allele frequency attached by ClinVar (database versions not stated): TOPMed below 0.00001; gnomAD 0.00001.
gnomAD v4.1: 4 of 1,606,928 alleles (0.00025%); highest among the groups gnomAD compares: Non-Finnish European, 0.00034%; no homozygotes.

Submission:

Ambry Genetics
Classification: Uncertain significance. Last evaluated: 2024-01-17. Review status: criteria provided, single submitter. Criteria: Ambry Variant Classification Scheme 2023. Collection method: clinical testing. Allele origin: germline.
Comment: The p.S369T variant (also known as c.1105T>A), located in coding exon 3 of the PALLD gene, results from a T to A substitution at nucleotide position 1105. The serine at codon 369 is replaced by threonine, an amino acid with similar properties. This amino acid position is conserved. In addition, this alteration is predicted to be tolerated by in silico analysis. Since supporting evidence is limited at this time, the clinical significance of this alteration remains unclear.

NM_001166108.2(PALLD):c.1105T>A (p.Ser369Thr)

Gene: PALLD (palladin, cytoskeletal associated protein; plus strand). Cytogenetic location: 4q32.3.
Variant type: single nucleotide variant.
Coding change: c.1105T>A on transcript NM_001166108.2 (MANE Select); coding-DNA position 1105, T replaced by A.
Protein change: p.Ser369Thr; replaces serine 369 with threonine.
Molecular consequence: missense variant. On other transcripts: 5 prime UTR variant (1).
Genome position (GRCh38, 1-based): chr4:168,681,349, T>A. VCF-style: chr4-168681349-T-A. GRCh37 (hg19) VCF-style: chr4-169602500-T-A.
Other names: c.-42T>A (NM_001166109.2); c.1105T>A, p.Ser369Thr (NM_016081.4); short protein forms S369T.
Identifiers: ClinVar variation 1793645 (VCV001793645.2), dbSNP rs960155075, ClinGen allele CA358794015.